The following is an entry in ClinVar:

ClinVar aggregate classification (germline): Uncertain significance. Review status: criteria provided, multiple submitters, no conflicts (2 of 4 stars). 4 submissions from 4 submitters: Uncertain significance (4). Last evaluated 2025-04-15.

Conditions:
Autosomal recessive limb-girdle muscular dystrophy type 2K. Also called: MUSCULAR DYSTROPHY-DYSTROGLYCANOPATHY (LIMB-GIRDLE), TYPE C, 1; MUSCULAR DYSTROPHY, LIMB-GIRDLE, TYPE 2K. Identifiers: Orphanet 86812, MedGen C1836373, MONDO:0012248, OMIM 609308.
Muscular dystrophy-dystroglycanopathy (congenital with impaired intellectual development), type B, 1. Also called: Muscular dystrophy-dystroglycanopathy (congenital with intellectual disability), type B1; MUSCULAR DYSTROPHY, CONGENITAL, POMT1-RELATED. Identifiers: MedGen C5436962, MONDO:0013159, OMIM 613155.
Walker-Warburg congenital muscular dystrophy. Also called: Muscular dystrophy-dystroglycanopathy, type A; Walker-Warburg syndrome. Identifiers: Orphanet 899, MedGen C0265221, MONDO:0000171.
Inborn genetic diseases. Identifiers: MedGen C0950123, MeSH D030342.

Allele frequency attached by ClinVar (database versions not stated): gnomAD 0.00001 and 0.00003; gnomAD exomes below 0.00001 and 0.00001; TOPMed 0.00001; ESP Exome Variant Server 0.00008; ExAC 0.00002.
gnomAD v4.1: 9 of 1,614,040 alleles (0.00056%); highest among the groups gnomAD compares: African/African-American, 0.008%; no homozygotes.

Submissions (4):

Ambry Genetics
Classification: Uncertain significance for Inborn genetic diseases. Last evaluated: 2025-04-15. Review status: criteria provided, single submitter. Criteria: Ambry Variant Classification Scheme 2023. Collection method: clinical testing. Allele origin: germline.

Labcorp Genetics (formerly Invitae), Labcorp
Classification: Uncertain significance for Muscular dystrophy-dystroglycanopathy (congenital with impaired intellectual development), type B, 1; Walker-Warburg congenital muscular dystrophy; Autosomal recessive limb-girdle muscular dystrophy type 2K. Last evaluated: 2022-08-13. Review status: criteria provided, single submitter. Criteria: Invitae Variant Classification Sherloc (09022015). Collection method: clinical testing. Allele origin: germline.
Comment: This sequence change replaces phenylalanine, which is neutral and non-polar, with leucine, which is neutral and non-polar, at codon 68 of the POMT1 protein (p.Phe68Leu). This variant is present in population databases (rs138433752, gnomAD 0.01%). This variant has not been reported in the literature in individuals affected with POMT1-related conditions. ClinVar contains an entry for this variant (Variation ID: 497850). Algorithms developed to predict the effect of missense changes on protein structure and function output the following: SIFT: "Tolerated"; PolyPhen-2: "Benign"; Align-GVGD: "Class C0". The leucine amino acid residue is found in multiple mammalian species, which suggests that this missense change does not adversely affect protein function. In summary, the available evidence is currently insufficient to determine the role of this variant in disease. Therefore, it has been classified as a Variant of Uncertain Significance.

Revvity Omics, Revvity
Classification: Uncertain significance. Last evaluated: 2019-08-06. Review status: criteria provided, single submitter. Criteria: ACMG Guidelines, 2015. Collection method: clinical testing. Allele origin: germline.

Eurofins Ntd Llc (ga)
Classification: Uncertain significance. Last evaluated: 2016-10-25. Review status: criteria provided, single submitter. Criteria: EGL Classification Definitions 2015. Collection method: clinical testing. Allele origin: germline. Observed: 1 variant allele, 1 heterozygote.

NM_001077365.2(POMT1):c.202T>C (p.Phe68Leu)

Gene: POMT1 (protein O-mannosyltransferase 1; plus strand). Cytogenetic location: 9q34.13.
Variant type: single nucleotide variant.
Coding change: c.202T>C on transcript NM_001077365.2 (MANE Select); coding-DNA position 202, T replaced by C.
Protein change: p.Phe68Leu; replaces phenylalanine 68 with leucine.
Molecular consequence: missense variant. On other transcripts: non-coding transcript variant (7), intron variant (8).
Genome position (GRCh38, 1-based): chr9:131,506,193, T>C. VCF-style: chr9-131506193-T-C. GRCh37 (hg19) VCF-style: chr9-134381580-T-C.
Other names: c.202T>C (NM_007171.3); c.40T>C, p.Phe14Leu (NM_001077366.2, NM_001353194.2, NM_001353197.2 and 3 more transcripts); c.202T>C, p.Phe68Leu (NM_001136113.2, NM_001353193.2, NM_001374690.1 and 1 more transcripts); c.-71-1175T>C (NM_001374691.1, NM_001374692.1); c.123-210T>C (NM_001353196.2); c.-122-210T>C (NM_001353195.2, NM_001353199.2, NM_001136114.2); c.-30+1853T>C (NM_001374695.1); c.-80-210T>C (NM_001353200.2); short protein forms F68L, F14L.
Identifiers: ClinVar variation 497850 (VCV000497850.10), dbSNP rs138433752, ClinGen allele CA5293182.
Genomic context (GRCh38, chr9:131,506,193, plus strand): 5'-GGGCAGTACATCTCTTTTTACATGAAACAAATCTTCTTCTTGGATGACAGTGGGCCGCCA[T>C]TTGGCCACATGGTGCTGGCCTTGGGAGGTAGGAGTCATCAGGAGAGTAGCCCCTACCCTT-3'
Protein context (NP_001070833.1, residues 58-78): IFFLDDSGPP[Phe68Leu]GHMVLALGGY